The following is an entry in ClinVar:

NM_015910.7(WDPCP):c.130T>C (p.Trp44Arg)

Gene: WDPCP (WD repeat containing planar cell polarity effector; minus strand). Cytogenetic location: 2p15.
Variant type: single nucleotide variant.
Coding change: c.130T>C on transcript NM_015910.7 (MANE Select); coding-DNA position 130, T replaced by C.
Protein change: p.Trp44Arg; replaces tryptophan 44 with arginine.
Molecular consequence: missense variant. On other transcripts: non-coding transcript variant (2).
Genome position (GRCh38, 1-based): chr2:63,492,886, A>G on the plus strand (T>C on the coding strand, the complement: WDPCP is on the minus strand). VCF-style: chr2-63492886-A-G. GRCh37 (hg19) VCF-style: chr2-63720020-A-G.
Other names: c.58T>C, p.Trp20Arg (NM_001354044.2); c.130T>C, p.Trp44Arg (NM_001354045.2); short protein forms W20R, W44R.
Identifiers: ClinVar variation 956761 (VCV000956761.9), dbSNP rs1280928455, ClinGen allele CA347066364.

ClinVar aggregate classification (germline): Uncertain significance (1 of 4 stars; one submission).

Conditions:
Bardet-Biedl syndrome (BBS). Identifiers: Orphanet 110, MedGen C0752166, MONDO:0015229.

Allele frequency attached by ClinVar (database versions not stated): gnomAD exomes below 0.00001.
gnomAD v4.1: 1 of 1,613,722 alleles (0.000062%); highest among the groups gnomAD compares: Non-Finnish European, 0.000085%; no homozygotes.

Submission:

Labcorp Genetics (formerly Invitae), Labcorp
Classification: Uncertain significance for Bardet-Biedl syndrome. Last evaluated: 2021-07-08. Review status: criteria provided, single submitter. Criteria: Invitae Variant Classification Sherloc (09022015). Collection method: clinical testing. Allele origin: germline.
Comment: In summary, the available evidence is currently insufficient to determine the role of this variant in disease. Therefore, it has been classified as a Variant of Uncertain Significance. Algorithms developed to predict the effect of missense changes on protein structure and function (SIFT, PolyPhen-2, Align-GVGD) all suggest that this variant is likely to be disruptive, but these predictions have not been confirmed by published functional studies and their clinical significance is uncertain. This variant has not been reported in the literature in individuals with WDPCP-related conditions. This variant is not present in population databases (ExAC no frequency). This sequence change replaces tryptophan with arginine at codon 44 of the WDPCP protein (p.Trp44Arg). The tryptophan residue is highly conserved and there is a moderate physicochemical difference between tryptophan and arginine.